The following is an entry in ClinVar:

ClinVar aggregate classification (germline): Benign/Likely benign. Review status: criteria provided, multiple submitters, no conflicts (2 of 4 stars). 3 submissions from 3 submitters: Benign (1); Likely benign (2). Last evaluated 2024-09-12.

Conditions:
Hereditary cancer-predisposing syndrome. Also called: Neoplastic Syndromes, Hereditary; Tumor predisposition; Hereditary neoplastic syndrome; Hereditary Cancer Syndrome. Identifiers: Orphanet 140162, MedGen C0027672, MeSH D009386, MONDO:0015356.
Familial adenomatous polyposis 1 (FAP1). Also called: POLYPOSIS, ADENOMATOUS INTESTINAL; FAMILIAL ADENOMATOUS POLYPOSIS 1, ATTENUATED. Identifiers: MedGen C2713442, MONDO:0021056, OMIM 175100. Disease mechanism: loss of function.

Submissions (3):

Labcorp Genetics (formerly Invitae), Labcorp
Classification: Likely benign for Familial adenomatous polyposis 1. Last evaluated: 2024-09-12. Review status: criteria provided, single submitter. Criteria: Invitae Variant Classification Sherloc (09022015). Collection method: clinical testing. Allele origin: germline.

Myriad Genetics, Inc.
Classification: Benign for Familial adenomatous polyposis 1. Last evaluated: 2024-02-23. Review status: criteria provided, single submitter. Criteria: Myriad Autosomal Dominant, Autosomal Recessive and X-Linked Classification Criteria (2023). Collection method: clinical testing. Allele origin: unknown.
Comment: This variant is considered benign. This variant is a silent/synonymous amino acid change and it is not expected to impact splicing.

Ambry Genetics
Classification: Likely benign for Hereditary cancer-predisposing syndrome. Last evaluated: 2019-07-03. Review status: criteria provided, single submitter. Criteria: Ambry Variant Classification Scheme 2023. Collection method: clinical testing. Allele origin: germline.

NM_000038.6(APC):c.538T>C (p.Leu180=)

Gene: APC (APC regulator of Wnt signaling pathway; plus strand). Cytogenetic location: 5q22.2.
Variant type: single nucleotide variant.
Coding change: c.538T>C on transcript NM_000038.6 (MANE Select); coding-DNA position 538, T replaced by C.
Protein change: p.Leu180=; no amino-acid change (leucine 180 retained).
Molecular consequence: synonymous variant. On other transcripts: 5 prime UTR variant (1).
Genome position (GRCh38, 1-based): chr5:112,780,796, T>C. VCF-style: chr5-112780796-T-C. GRCh37 (hg19) VCF-style: chr5-112116493-T-C.
Other names: c.538T>C, p.Leu180= (NM_001127510.3, NM_001354895.2, NM_001354896.2 and 2 more transcripts); c.568T>C, p.Leu190= (NM_001127511.3, NM_001354897.2, NM_001354902.2); c.463T>C, p.Leu155= (NM_001354898.2, NM_001354904.2); c.361T>C, p.Leu121= (NM_001354900.2, NM_001354901.2, NM_001354905.2); c.-498T>C (NM_001354906.2).
Identifiers: ClinVar variation 825697 (VCV000825697.6), dbSNP rs1580379462, ClinGen allele CA445755481.